The following is an entry in ClinVar:

NM_001375524.1(TRRAP):c.5713A>G (p.Lys1905Glu)

Gene: TRRAP (transformation/transcription domain associated protein; plus strand). Cytogenetic location: 7q22.1.
Variant type: single nucleotide variant.
Coding change: c.5713A>G on transcript NM_001375524.1 (MANE Select); coding-DNA position 5713, A replaced by G.
Protein change: p.Lys1905Glu; replaces lysine 1905 with glutamic acid.
Molecular consequence: missense variant.
Genome position (GRCh38, 1-based): chr7:98,953,416, A>G. VCF-style: chr7-98953416-A-G. GRCh37 (hg19) VCF-style: chr7-98551039-A-G.
Other names: c.5692A>G, p.Lys1898Glu (NM_001244580.2); c.5638A>G, p.Lys1880Glu (NM_003496.4); short protein forms K1880E, K1898E, K1905E.
Identifiers: ClinVar variation 973835 (VCV000973835.10), dbSNP rs1791437854, ClinGen allele CA368321162.

ClinVar aggregate classification (germline): Conflicting classifications of pathogenicity. Review status: criteria provided, conflicting classifications (1 of 4 stars). 3 submissions from 3 submitters: Likely pathogenic (1); Uncertain significance (2). Last evaluated 2025-03-01.

Conditions:
Developmental delay with or without dysmorphic facies and autism. Identifiers: MedGen C5193106, MONDO:0032760, OMIM 618454.
TRAPP-associated developmental delay.

Submissions (3):

CeGaT Center for Human Genetics Tuebingen
Classification: Uncertain significance. Last evaluated: 2025-03-01. Review status: criteria provided, single submitter. Criteria: CeGaT Center For Human Genetics Tuebingen Variant Classification Criteria Version 2. Collection method: clinical testing. Allele origin: germline. Affected: yes. Observed: 1 variant allele.
Comment: TRRAP: PM2, PP2

Laboratory of Medical Genetics, University of Torino
Classification: Uncertain significance for Developmental delay with or without dysmorphic facies and autism. Last evaluated: 2022-11-29. Review status: criteria provided, single submitter. Criteria: ACMG Guidelines, 2015. Collection method: research. Allele origin: germline. Affected: yes. Study: NeuroWES.

Institute for Genomic Statistics and Bioinformatics, University Hospital Bonn
Classification: Likely pathogenic for Developmental delay with or without dysmorphic facies and autism; TRAPP-associated developmental delay. Review status: criteria provided, single submitter. Criteria: ACMG Guidelines, 2015. Collection method: clinical testing. Allele origin: de novo. Inheritance: Autosomal dominant inheritance. Affected: yes. Observed: 1 heterozygote.
Comment: The name of the variant is: NM_001244580.1:c.5692A>G; p.(Lys1898Glu). This variant has not yet been recorded in population-based and phanotype-based databases. The mutation prediction programs MutationTaster, SIFT and PolyPhen-2 classify the above-mentioned variant as pathogenic; the CADD score is 29.5. According to the gnomAD database, missense variants are extremely rare in the TRRAP gene, and in phanotype-related databases and publications, missense variants in particular are currently classified as pathogenic in the TRRAP gene. The ACMG classification of the variant is: probably pathogenic (class 4: PS2, PM2, PP2, PP3).